The following is an entry in ClinVar:

ClinVar aggregate classification (germline): Uncertain significance. Review status: criteria provided, multiple submitters, no conflicts (2 of 4 stars). 5 submissions from 5 submitters: Uncertain significance (5). Last evaluated 2023-11-17.

Conditions:
Nemaline myopathy 5 (NEM5A). Also called: NEMALINE MYOPATHY, AMISH TYPE; NEMALINE MYOPATHY 5A, AUTOSOMAL RECESSIVE, SEVERE INFANTILE; Nemaline myopathy 5, Amish type. Identifiers: Orphanet 98902, MedGen C1854380, MONDO:0011539, OMIM 605355.

Allele frequency attached by ClinVar (database versions not stated): ExAC 0.00013; gnomAD exomes 0.00016; gnomAD 0.00019; TOPMed 0.00021; ESP Exome Variant Server 0.00023.
gnomAD v4.1: 422 of 1,563,316 alleles (0.027%); highest among the groups gnomAD compares: Non-Finnish European, 0.035%; 1 homozygote.

Submissions (5):

Revvity Omics, Revvity
Classification: Uncertain significance. Last evaluated: 2023-11-17. Review status: criteria provided, single submitter. Criteria: ACMG Guidelines, 2015. Collection method: clinical testing. Allele origin: germline.

Labcorp Genetics (formerly Invitae), Labcorp
Classification: Uncertain significance for Nemaline myopathy 5. Last evaluated: 2022-11-01. Review status: criteria provided, single submitter. Criteria: Invitae Variant Classification Sherloc (09022015). Collection method: clinical testing. Allele origin: germline.
Comment: This sequence change replaces aspartic acid, which is acidic and polar, with asparagine, which is neutral and polar, at codon 194 of the TNNT1 protein (p.Asp194Asn). This variant is present in population databases (rs141774400, gnomAD 0.03%). This variant has not been reported in the literature in individuals affected with TNNT1-related conditions. ClinVar contains an entry for this variant (Variation ID: 193862). Advanced modeling of protein sequence and biophysical properties (such as structural, functional, and spatial information, amino acid conservation, physicochemical variation, residue mobility, and thermodynamic stability) performed at Invitae indicates that this missense variant is not expected to disrupt TNNT1 protein function. In summary, the available evidence is currently insufficient to determine the role of this variant in disease. Therefore, it has been classified as a Variant of Uncertain Significance.

Illumina Laboratory Services, Illumina
Classification: Uncertain significance for Nemaline myopathy 5. Last evaluated: 2018-01-13. Review status: criteria provided, single submitter. Criteria: ICSL Variant Classification Criteria 13 December 2019. Collection method: clinical testing. Allele origin: germline.

GeneDx
Classification: Uncertain significance. Last evaluated: 2017-04-11. Review status: criteria provided, single submitter. Criteria: GeneDx Variant Classification (06012015). Collection method: clinical testing. Allele origin: germline. Affected: yes.
Comment: A variant of uncertain significance has been identified in the TNNT1 gene. The D194N variant has not been published as a pathogenic variant, nor has it been reported as a benign variant to our knowledge. The D194N variant is observed in 15/66,240 (0.02%) alleles from individuals of European background (Lek et al., 2016; 1000 Genomes Consortium et al., 2015; Exome Variant Server). The D194N variant is a semi-conservative amino acid substitution, which may impact secondary protein structure as these residues differ in some properties. However, this substitution occurs at a position that is not conserved, and Asparagine has been observed at this position in evolution. In silico analysis is inconsistent in its predictions as to whether or not the variant is damaging to the protein structure/function. Therefore, based on the currently available information, it is unclear whether this variant is a pathogenic variant or a rare benign variant.

Eurofins Ntd Llc (ga)
Classification: Uncertain significance. Last evaluated: 2015-05-22. Review status: criteria provided, single submitter. Criteria: EGL Classification Definitions 2015. Collection method: clinical testing. Allele origin: germline. Observed: 1 variant allele, 1 heterozygote.

NM_003283.6(TNNT1):c.580G>A (p.Asp194Asn)

Gene: TNNT1 (troponin T1, slow skeletal type; minus strand). Cytogenetic location: 19q13.42.
Variant type: single nucleotide variant.
Coding change: c.580G>A on transcript NM_003283.6 (MANE Select); coding-DNA position 580, G replaced by A.
Protein change: p.Asp194Asn; replaces aspartic acid 194 with asparagine.
Molecular consequence: missense variant.
Genome position (GRCh38, 1-based): chr19:55,137,134, C>T on the plus strand (G>A on the coding strand, the complement: TNNT1 is on the minus strand). VCF-style: chr19-55137134-C-T. GRCh37 (hg19) VCF-style: chr19-55648502-C-T.
Other names: c.580G>A, p.Asp194Asn (NM_001126132.3); c.547G>A, p.Asp183Asn (NM_001126133.3, NM_001291774.2); short protein forms D194N, D183N.
Identifiers: ClinVar variation 193862 (VCV000193862.19), dbSNP rs141774400, ClinGen allele CA239550.